The following is an entry in ClinVar:

ClinVar aggregate classification (germline): Likely benign. Review status: criteria provided, multiple submitters, no conflicts (2 of 4 stars). 3 submissions from 3 submitters: Likely benign (3). Last evaluated 2025-03-26.

Allele frequency attached by ClinVar (database versions not stated): gnomAD 0.00001; ExAC 0.00002; gnomAD exomes 0.00002; TOPMed 0.00002.
gnomAD v4.1: 32 of 1,614,084 alleles (0.002%); highest among the groups gnomAD compares: Non-Finnish European, 0.0026%; no homozygotes.

Submissions (3):

Ambry Genetics
Classification: Likely benign. Last evaluated: 2025-03-26. Review status: criteria provided, single submitter. Criteria: Ambry Variant Classification Scheme 2023. Collection method: clinical testing. Allele origin: germline.

CeGaT Center for Human Genetics Tuebingen
Classification: Likely benign. Last evaluated: 2023-10-01. Review status: criteria provided, single submitter. Criteria: CeGaT Center For Human Genetics Tuebingen Variant Classification Criteria Version 2. Collection method: clinical testing. Allele origin: germline. Affected: yes. Observed: 1 variant allele.
Comment: LGR4: BP4, BP7

Blueprint Genetics
Classification: Likely benign. Last evaluated: 2022-08-09. Review status: criteria provided, single submitter. Criteria: ACMG Guidelines, 2015. Collection method: clinical testing. Allele origin: germline.

NM_018490.5(LGR4):c.2268T>C (p.Asn756=)

Gene: LGR4 (leucine rich repeat containing G protein-coupled receptor 4; minus strand). Cytogenetic location: 11p14.1.
Variant type: single nucleotide variant.
Coding change: c.2268T>C on transcript NM_018490.5 (MANE Select); coding-DNA position 2268, T replaced by C.
Protein change: p.Asn756=; no amino-acid change (asparagine 756 retained).
Molecular consequence: synonymous variant.
Genome position (GRCh38, 1-based): chr11:27,368,455, A>G on the plus strand (T>C on the coding strand, the complement: LGR4 is on the minus strand). VCF-style: chr11-27368455-A-G. GRCh37 (hg19) VCF-style: chr11-27390002-A-G.
Other names: c.2268T>C (NM_018490.2); c.2196T>C, p.Asn732= (NM_001346432.2).
Identifiers: ClinVar variation 2641692 (VCV002641692.25), dbSNP rs767863557, ClinGen allele CA5928199.
Genomic context (GRCh38, chr11:27,368,455, plus strand): 5'-AGAGATTGCAGTGATCAATGGTGCAAATGAAAAAAACGCCACAGGGCAGAAAAAGATGCA[A>G]TTGGTGAAGATTAGCCAAGCGACATGCTTAATCATGCTAGATTGTGAGTTTTCTGAGAGG-3'
Protein context (NP_060960.2, residues 746-766): IKHVAWLIFT[Asn756=]CIFFCPVAFF